The following is an entry in ClinVar:

ClinVar aggregate classification (germline): Pathogenic/Likely pathogenic. Review status: criteria provided, multiple submitters, no conflicts (2 of 4 stars). 7 submissions from 7 submitters: Pathogenic (5); Likely pathogenic (1). 1 of the submissions does not count toward it. Last evaluated 2025-08-15.

Conditions:
Maple syrup urine disease type 1A (MSUD1A). Also called: MSUD type 1A. Identifiers: MedGen C1855369, MONDO:0023691, OMIM 248600.
Maple syrup urine disease (MSUD). Identifiers: Orphanet 511, MedGen C0024776, MeSH D008375, MONDO:0009563. Disease mechanism: loss of function.

Allele frequency attached by ClinVar (database versions not stated): ExAC 0.00001; gnomAD 0.00002; TOPMed 0.00002; gnomAD exomes 0.00001; ESP Exome Variant Server 0.00008.
gnomAD v4.1: 11 of 1,613,550 alleles (0.00068%); highest among the groups gnomAD compares: East Asian, 0.0022%; no homozygotes.

Submissions (7):

Natera, Inc.
Classification: Pathogenic for Maple syrup urine disease type 1A. Last evaluated: 2025-08-15. Review status: criteria provided, single submitter. Criteria: Natera Variant Classification Schema (03/2026). Collection method: clinical testing. Allele origin: germline.
Comment: The c.659C>T variant in BCKDHA is a missense variant predicted to cause substitution of alanine to valine at amino acid 220. This variant is rare in the general population with a frequency below the threshold expected for the associated phenotype(s). This variant has been observed in one or more individuals affected with the associated recessive disease, as either homozygous or compound heterozygous with a second variant (PMID: 36911408, 33131499, 26232051, 21844576, 31980395). Additionally, this variant has been observed to segregate in affected family members (PMID: 38410311). Computational prediction algorithms indicate this variant is likely to affect gene or protein function. Given the available evidence, this variant is classified as Pathogenic.

Labcorp Genetics (formerly Invitae), Labcorp
Classification: Pathogenic for Maple syrup urine disease. Last evaluated: 2025-03-26. Review status: criteria provided, single submitter. Criteria: Invitae Variant Classification Sherloc (09022015). Collection method: clinical testing. Allele origin: germline.
Comment: This sequence change replaces alanine, which is neutral and non-polar, with valine, which is neutral and non-polar, at codon 220 of the BCKDHA protein (p.Ala220Val). This variant is present in population databases (rs375785084, gnomAD 0.006%). This missense change has been observed in individual(s) with maple syrup urine disease (PMID: 16786533, 18378174, 21844576, 26232051). ClinVar contains an entry for this variant (Variation ID: 93367). Invitae Evidence Modeling of protein sequence and biophysical properties (such as structural, functional, and spatial information, amino acid conservation, physicochemical variation, residue mobility, and thermodynamic stability) indicates that this missense variant is expected to disrupt BCKDHA protein function with a positive predictive value of 80%. For these reasons, this variant has been classified as Pathogenic.

Baylor Genetics
Classification: Pathogenic for Maple syrup urine disease type 1A. Last evaluated: 2023-02-09. Review status: criteria provided, single submitter. Criteria: ACMG Guidelines, 2015. Collection method: clinical testing. Allele origin: unknown.

Fulgent Genetics
Classification: Likely pathogenic for Maple syrup urine disease type 1A. Last evaluated: 2021-11-12. Review status: criteria provided, single submitter. Criteria: ACMG Guidelines, 2015. Collection method: clinical testing. Allele origin: unknown.

Genome-Nilou Lab
Classification: Pathogenic for Maple syrup urine disease type 1A. Last evaluated: 2021-11-07. Review status: criteria provided, single submitter. Criteria: ACMG Guidelines, 2015. Collection method: clinical testing. Allele origin: germline. Affected: no.

Eurofins Ntd Llc (ga)
Classification: Pathogenic. Last evaluated: 2013-08-25. Review status: criteria provided, single submitter. Criteria: EGL Classification Definitions. Collection method: clinical testing. Allele origin: germline. Observed: 1 variant allele, 1 homozygote.

Counsyl
Classification: Likely pathogenic for Maple syrup urine disease type 1A. Last evaluated: 2017-06-09. Review status: no assertion criteria provided. Collection method: clinical testing. Allele origin: unknown. Not counted in ClinVar's aggregate classification.

Literature cited by the submitters: PubMed 36911408 (cited by Natera, Inc.); PubMed 33131499 (cited by Natera, Inc.); PubMed 26232051 (cited by 3 submitters); PubMed 21844576 (cited by 3 submitters); PubMed 31980395 (cited by Natera, Inc.); PubMed 38410311 (cited by Natera, Inc.); PubMed 16786533 (cited by Labcorp Genetics (formerly Invitae), Labcorp and Counsyl); PubMed 18378174 (cited by Labcorp Genetics (formerly Invitae), Labcorp and Counsyl); PubMed 25255367 (cited by Counsyl); PubMed 25087612 (cited by Counsyl).

NM_000709.4(BCKDHA):c.659C>T (p.Ala220Val)

Gene: BCKDHA (branched chain keto acid dehydrogenase E1 subunit alpha; plus strand). Cytogenetic location: 19q13.2.
Variant type: single nucleotide variant.
Coding change: c.659C>T on transcript NM_000709.4 (MANE Select); coding-DNA position 659, C replaced by T.
Protein change: p.Ala220Val; replaces alanine 220 with valine.
Molecular consequence: missense variant.
Genome position (GRCh38, 1-based): chr19:41,422,176, C>T. VCF-style: chr19-41422176-C-T. GRCh37 (hg19) VCF-style: chr19-41928081-C-T.
Other names: c.659C>T, p.Ala220Val (NM_001164783.2); c.659C>T (NM_001164783.1); short protein forms A220V.
Identifiers: ClinVar variation 93367 (VCV000093367.22), dbSNP rs375785084, ClinGen allele CA221207.
Genomic context (GRCh38, chr19:41,422,176, plus strand): 5'-GTGCATGTGAGTCTCCGCCCCTGCTCACCACCCTCTCATCCCCTGCAGCGGTGGGGGCGG[C>T]GTACGCAGCCAAGCGGGCCAATGCCAACAGGGTCGTCATCTGTTACTTCGGCGAGGGGGC-3'
Protein context (NP_000700.1, residues 210-230): ATQIPQAVGA[Ala220Val]YAAKRANANR